The following is an entry in ClinVar:

ClinVar aggregate classification (germline): Uncertain significance. Review status: criteria provided, multiple submitters, no conflicts (2 of 4 stars). 2 submissions from 2 submitters: Uncertain significance (2). Last evaluated 2025-06-15.

Conditions:
Brachyolmia-amelogenesis imperfecta syndrome. Also called: PLATYSPONDYLY WITH AMELOGENESIS IMPERFECTA; Tooth agenesis, selective, 6; Dental anomalies and short stature. Identifiers: Orphanet 2899, MedGen C1832594, MONDO:0011018, OMIM 601216. Disease mechanism: loss of function.
Inborn genetic diseases. Identifiers: MedGen C0950123, MeSH D030342.

gnomAD v4.1: 2 of 1,524,390 alleles (0.00013%); highest among the groups gnomAD compares: Non-Finnish European, 0.00018%; no homozygotes.

Submissions (2):

Ambry Genetics
Classification: Uncertain significance for Inborn genetic diseases. Last evaluated: 2025-06-15. Review status: criteria provided, single submitter. Criteria: Ambry Variant Classification Scheme 2023. Collection method: clinical testing. Allele origin: germline.
Comment: The p.P1110L variant (also known as c.3329C>T), located in coding exon 24 of the LTBP3 gene, results from a C to T substitution at nucleotide position 3329. The proline at codon 1110 is replaced by leucine, an amino acid with similar properties. This amino acid position is conserved. In addition, this alteration is predicted to be tolerated by in silico analysis. Based on the available evidence, the clinical significance of this variant remains unclear.

Labcorp Genetics (formerly Invitae), Labcorp
Classification: Uncertain significance for Brachyolmia-amelogenesis imperfecta syndrome. Last evaluated: 2024-11-02. Review status: criteria provided, single submitter. Criteria: Invitae Variant Classification Sherloc (09022015). Collection method: clinical testing. Allele origin: germline.
Comment: This sequence change replaces proline, which is neutral and non-polar, with leucine, which is neutral and non-polar, at codon 1110 of the LTBP3 protein (p.Pro1110Leu). The frequency data for this variant in the population databases is considered unreliable, as metrics indicate poor data quality at this position in the gnomAD database. This variant has not been reported in the literature in individuals affected with LTBP3-related conditions. An algorithm developed to predict the effect of missense changes on protein structure and function outputs the following: PolyPhen-2: "Benign". The leucine amino acid residue is found in multiple mammalian species, which suggests that this missense change does not adversely affect protein function. In summary, the available evidence is currently insufficient to determine the role of this variant in disease. Therefore, it has been classified as a Variant of Uncertain Significance.

NM_001130144.3(LTBP3):c.3329C>T (p.Pro1110Leu)

Gene: LTBP3 (latent transforming growth factor beta binding protein 3; minus strand). Cytogenetic location: 11q13.1.
Variant type: single nucleotide variant.
Coding change: c.3329C>T on transcript NM_001130144.3 (MANE Select); coding-DNA position 3329, C replaced by T.
Protein change: p.Pro1110Leu; replaces proline 1110 with leucine.
Molecular consequence: missense variant. On other transcripts: intron variant (2).
Genome position (GRCh38, 1-based): chr11:65,540,069, G>A on the plus strand (C>T on the coding strand, the complement: LTBP3 is on the minus strand). VCF-style: chr11-65540069-G-A. GRCh37 (hg19) VCF-style: chr11-65307540-G-A.
Other names: c.3329C>T (NM_001130144.2); c.2893+176C>T (NM_001164266.1); c.3244+176C>T (NM_021070.4); short protein forms P1110L.
Identifiers: ClinVar variation 3621803 (VCV003621803.3).